The following is an entry in ClinVar:

ClinVar aggregate classification (germline): Pathogenic (1 of 4 stars; one submission).

Conditions:
Familial adenomatous polyposis 1 (FAP1). Also called: POLYPOSIS, ADENOMATOUS INTESTINAL; FAMILIAL ADENOMATOUS POLYPOSIS 1, ATTENUATED. Identifiers: MedGen C2713442, MONDO:0021056, OMIM 175100. Disease mechanism: loss of function.

Submission:

Labcorp Genetics (formerly Invitae), Labcorp
Classification: Pathogenic for Familial adenomatous polyposis 1. Last evaluated: 2018-11-26. Review status: criteria provided, single submitter. Criteria: Invitae Variant Classification Sherloc (09022015). Collection method: clinical testing. Allele origin: germline.
Comment: For these reasons, this variant has been classified as Pathogenic. Algorithms developed to predict the effect of sequence changes on RNA splicing suggest that this variant may disrupt the consensus splice site, but this prediction has not been confirmed by published transcriptional studies. This variant is not present in population databases (ExAC no frequency). This sequence change falls in intron 14 of the APC gene. It does not directly change the encoded amino acid sequence of the APC protein.

NM_000038.6(APC):c.1744-6_1744-4delinsAG

Gene: APC (APC regulator of Wnt signaling pathway; plus strand). Cytogenetic location: 5q22.2.
Variant type: Indel.
Coding change: c.1744-6_1744-4delinsAG on transcript NM_000038.6 (MANE Select); 6 bases into the intron before coding-DNA position 1744 through 4 bases into the intron before coding-DNA position 1744, TAC replaced by AG.
Molecular consequence: intron variant.
Genome position (GRCh38, 1-based): chr5:112,834,945-112,834,947, TAC replaced by AG. VCF-style: chr5-112834945-TAC-AG. GRCh37 (hg19) VCF-style: chr5-112170642-TAC-AG.
Other names: c.1744-6_1744-4delinsAG (NM_001354895.2, NM_001127510.3); c.1774-6_1774-4delinsAG (NM_001354897.2); c.1471-6_1471-4delinsAG (NM_001354902.2); c.1690-6_1690-4delinsAG (NM_001127511.3); c.1669-6_1669-4delinsAG (NM_001354898.2); c.1366-6_1366-4delinsAG (NM_001354904.2); c.895-6_895-4delinsAG (NM_001354906.2); c.1798-6_1798-4delinsAG (NM_001354896.2); and 5 more.
Identifiers: ClinVar variation 664704 (VCV000664704.5), dbSNP rs1580603007, ClinGen allele CA915942605.